The following is an entry in ClinVar:

ClinVar aggregate classification (germline): Pathogenic. Review status: reviewed by expert panel (3 of 4 stars). 2 submissions from 2 submitters: Pathogenic (1). 1 of the submissions does not count toward it. Last evaluated 2024-03-08.

Conditions:
X-linked severe combined immunodeficiency (SCIDX1). Also called: X-Linked Combined Immunodeficiency Diseases; IMMUNODEFICIENCY 4; SCID, X-LINKED; SEVERE COMBINED IMMUNODEFICIENCY, X-LINKED, T CELL-NEGATIVE, B CELL-POSITIVE, NK CELL-NEGATIVE; T-B+ severe combined immunodeficiency due to gamma chain deficiency. Identifiers: Orphanet 276, MedGen C6022468, MONDO:0010315, OMIM 300400. Disease mechanism: loss of function.

Submissions (2):

ClinGen Severe Combined Immunodeficiency Variant Curation Expert Panel, ClinGen
Classification: Pathogenic for X-linked severe combined immunodeficiency. Last evaluated: 2024-03-08. Review status: reviewed by expert panel. Criteria: ClinGen SCID ACMG Specifications IL2RG V1.0.0. Collection method: curation. Allele origin: germline. Inheritance: X-linked inheritance.
Comment: The NM_000206.3:c.455-2A>C variant in IL2RG occurs within the canonical splice acceptor site (-2) of intron 3. It is predicted to cause skipping of biologically relevant exon 4 (SpliceAI score 0.59), resulting in a frameshift leading to nonsense-mediated decay in a gene in which loss-of-function is an established disease mechanism (PVS1). The variant is absent from gnomAD v2.1.1 and gnomAD v4.0 (PM2_Supporting). The variant has not been reported in the literature in individuals with SCID. However, it is located in the splice consensus sequence at the same nucleotide position as a pathogenic variant classified by SCID VCEP specification, NM_000206.3:c.455-2A>T (PS1). In summary, this variant meets the criteria to be classified as pathogenic for SCID. ACMG/AMP criteria applied, as specified by the ClinGen SCID-VCEP: PVS1, PM2_Supporting, PS1. (VCEP specifications version 1)

Labcorp Genetics (formerly Invitae), Labcorp
Classification: Pathogenic for X-linked severe combined immunodeficiency. Last evaluated: 2019-05-01. Review status: criteria provided, single submitter. Criteria: Invitae Variant Classification Sherloc (09022015). Collection method: clinical testing. Allele origin: germline. Not counted in ClinVar's aggregate classification.
Comment: This sequence change affects an acceptor splice site in intron 3 of the IL2RG gene. It is expected to disrupt RNA splicing and likely results in an absent or disrupted protein product. This variant is not present in population databases (ExAC no frequency). Disruption of this splice site has been observed in individuals affected with X-linked severe combined immunodeficiency (PMID: 28747913, 29658452). Donor and acceptor splice site variants typically lead to a loss of protein function (PMID: 16199547), and loss-of-function variants in IL2RG are known to be pathogenic (PMID: 9058718, 10794430). For these reasons, this variant has been classified as Pathogenic.

Literature cited by the submitters: PubMed 28747913 (cited by Labcorp Genetics (formerly Invitae), Labcorp); PubMed 29658452 (cited by Labcorp Genetics (formerly Invitae), Labcorp); PubMed 16199547 (cited by Labcorp Genetics (formerly Invitae), Labcorp); PubMed 9058718 (cited by Labcorp Genetics (formerly Invitae), Labcorp); PubMed 10794430 (cited by Labcorp Genetics (formerly Invitae), Labcorp).

NM_000206.3(IL2RG):c.455-2A>C

Gene: IL2RG (interleukin 2 receptor subunit gamma; minus strand). Cytogenetic location: Xq13.1.
Variant type: single nucleotide variant.
Coding change: c.455-2A>C on transcript NM_000206.3 (MANE Select); the canonical splice acceptor site of the intron before coding-DNA position 455, A replaced by C.
Molecular consequence: splice acceptor variant.
Genome position (GRCh38, 1-based): chrX:71,110,297, T>G on the plus strand (A>C on the coding strand, the complement: IL2RG is on the minus strand). VCF-style: chrX-71110297-T-G. GRCh37 (hg19) VCF-style: chrX-70330147-T-G.
Identifiers: ClinVar variation 947759 (VCV000947759.11), dbSNP rs2092260728, ClinGen allele CA413496514.